The following is an entry in ClinVar:

NM_001277115.2(DNAH11):c.13436_13440dup (p.Tyr4481fs)

Genes: CDCA7L (cell division cycle associated 7 like; minus strand), DNAH11 (dynein axonemal heavy chain 11; plus strand). Cytogenetic location: 7p15.3.
Variant type: Duplication.
Coding change: c.13436_13440dup on transcript NM_001277115.2 (MANE Select); coding-DNA positions 13436 to 13440, 5 bases duplicated (CTGTG; older notation c.13436_13440dupCTGTG).
Protein change: p.Tyr4481fs; shifts the reading frame from tyrosine 4481.
Molecular consequence: frameshift variant. On other transcripts: 3 prime UTR variant (3).
Genome position (GRCh38, 1-based): chr7:21,901,139-21,901,143, CTGTG duplicated. VCF-style (leftmost placement, unchanged base first): chr7-21901138-C-CCTGTG. GRCh37 (hg19) VCF-style: chr7-21940756-C-CCTGTG.
Other names: c.*1179_*1183dup (NM_001127370.3, NM_001127371.3, NM_018719.5); short protein forms Y4481fs.
Identifiers: ClinVar variation 4278330 (VCV004278330.2).

ClinVar aggregate classification (germline): Conflicting classifications of pathogenicity. Review status: criteria provided, conflicting classifications (1 of 4 stars). 2 submissions from 2 submitters: Pathogenic (1); Uncertain significance (1). Last evaluated 2025-09-10.

Conditions:
Primary ciliary dyskinesia 7. Also called: CILIARY DYSKINESIA, PRIMARY, 7, WITH OR WITHOUT SITUS INVERSUS. Identifiers: Orphanet 244, MedGen C2678473, MONDO:0012748, OMIM 611884.
Primary ciliary dyskinesia. Also called: Ciliary dyskinesia. Identifiers: Orphanet 244, MedGen C0008780, MONDO:0016575, HP:0012265.

Submissions (2):

Genomic Medicine Center of Excellence, King Faisal Specialist Hospital and Research Centre
Classification: Uncertain significance for Primary ciliary dyskinesia 7. Last evaluated: 2025-09-10. Review status: criteria provided, single submitter. Criteria: ACMG Guidelines, 2015. Collection method: clinical testing. Allele origin: germline.

Labcorp Genetics (formerly Invitae), Labcorp
Classification: Pathogenic for Primary ciliary dyskinesia. Last evaluated: 2025-08-29. Review status: criteria provided, single submitter. Criteria: Invitae Variant Classification Sherloc (09022015). Collection method: clinical testing. Allele origin: germline.
Comment: This sequence change creates a premature translational stop signal (p.Tyr4481Leufs*7) in the DNAH11 gene. While this is not anticipated to result in nonsense mediated decay, it is expected to disrupt the last 36 amino acid(s) of the DNAH11 protein. This variant is not present in population databases (gnomAD no frequency). This premature translational stop signal has been observed in individual(s) with primary ciliary dyskinesia (PMID: 33447612). This variant is also known as c.13457_13461dup, p.Tyr4488LeufsTer7. This variant disrupts a region of the DNAH11 protein in which other variant(s) (p.Trp4505Serfs*10) have been determined to be pathogenic (internal data). This suggests that this is a clinically significant region of the protein, and that variants that disrupt it are likely to be disease-causing. For these reasons, this variant has been classified as Pathogenic.

Literature cited by the submitters: PubMed 33447612 (cited by Labcorp Genetics (formerly Invitae), Labcorp).